The following is an entry in ClinVar:

NM_133642.5(LARGE1):c.392T>C (p.Val131Ala)

Gene: LARGE1 (LARGE xylosyl- and glucuronyltransferase 1; minus strand). Cytogenetic location: 22q12.3.
Variant type: single nucleotide variant.
Coding change: c.392T>C on transcript NM_133642.5 (MANE Select); coding-DNA position 392, T replaced by C.
Protein change: p.Val131Ala; replaces valine 131 with alanine.
Molecular consequence: missense variant.
Genome position (GRCh38, 1-based): chr22:33,650,383, A>G on the plus strand (T>C on the coding strand, the complement: LARGE1 is on the minus strand). VCF-style: chr22-33650383-A-G. GRCh37 (hg19) VCF-style: chr22-34046369-A-G.
Other names: c.392T>C, p.Val131Ala (NM_001362949.2, NM_001362951.2, NM_001362953.2 and 7 more transcripts); short protein forms V131A.
Identifiers: ClinVar variation 1987742 (VCV001987742.1), dbSNP rs2519151470, ClinGen allele CA411546027.

ClinVar aggregate classification (germline): Uncertain significance (1 of 4 stars; one submission).

Conditions:
Muscular dystrophy-dystroglycanopathy type B6 (MDDGB6). Also called: MUSCULAR DYSTROPHY-DYSTROGLYCANOPATHY (CONGENITAL WITH IMPAIRED INTELLECTUAL DEVELOPMENT), TYPE B, 6; MUSCULAR DYSTROPHY, CONGENITAL, LARGE-RELATED; MUSCULAR DYSTROPHY, CONGENITAL, TYPE 1D. Identifiers: MedGen C1837229, MONDO:0012138, OMIM 608840.

Submission:

Labcorp Genetics (formerly Invitae), Labcorp
Classification: Uncertain significance for Muscular dystrophy-dystroglycanopathy type B6. Last evaluated: 2022-05-20. Review status: criteria provided, single submitter. Criteria: Invitae Variant Classification Sherloc (09022015). Collection method: clinical testing. Allele origin: germline.
Comment: This sequence change replaces valine, which is neutral and non-polar, with alanine, which is neutral and non-polar, at codon 131 of the LARGE1 protein (p.Val131Ala). This variant is not present in population databases (gnomAD no frequency). This variant has not been reported in the literature in individuals affected with LARGE1-related conditions. Algorithms developed to predict the effect of missense changes on protein structure and function output the following: SIFT: "Tolerated"; PolyPhen-2: "Benign"; Align-GVGD: "Class C0". The alanine amino acid residue is found in multiple mammalian species, which suggests that this missense change does not adversely affect protein function. In summary, the available evidence is currently insufficient to determine the role of this variant in disease. Therefore, it has been classified as a Variant of Uncertain Significance.